The following is an entry in ClinVar:

ClinVar aggregate classification (germline): Uncertain significance. Review status: criteria provided, multiple submitters, no conflicts (2 of 4 stars). 2 submissions from 2 submitters: Uncertain significance (2). Last evaluated 2024-12-04.

Conditions:
Inborn genetic diseases. Identifiers: MedGen C0950123, MeSH D030342.
Neutropenia, severe congenital, 1, autosomal dominant. Identifiers: MedGen C1859966, MONDO:0042490, OMIM 202700.
Cyclical neutropenia. Also called: Cyclic hematopoiesis; Cyclic Neutropenia. Identifiers: Orphanet 2686, MedGen C0221023, MONDO:0008090, OMIM 162800, HP:0040289. Disease mechanism: loss of function.

Allele frequency attached by ClinVar (database versions not stated): TOPMed below 0.00001; gnomAD 0.00001.

Submissions (2):

Ambry Genetics
Classification: Uncertain significance for Inborn genetic diseases. Last evaluated: 2024-12-04. Review status: criteria provided, single submitter. Criteria: Ambry Variant Classification Scheme 2023. Collection method: clinical testing. Allele origin: germline.
Comment: The p.A40V variant (also known as c.119C>T), located in coding exon 2 of the ELANE gene, results from a C to T substitution at nucleotide position 119. The alanine at codon 40 is replaced by valine, an amino acid with similar properties. This amino acid position is conserved. In addition, the in silico prediction for this alteration is inconclusive. Based on the available evidence, the clinical significance of this variant remains unclear.

Labcorp Genetics (formerly Invitae), Labcorp
Classification: Uncertain significance for Neutropenia, severe congenital, 1, autosomal dominant; Cyclical neutropenia. Last evaluated: 2019-05-10. Review status: criteria provided, single submitter. Criteria: Invitae Variant Classification Sherloc (09022015). Collection method: clinical testing. Allele origin: germline.
Comment: This sequence change replaces alanine with valine at codon 40 of the ELANE protein (p.Ala40Val). The alanine residue is highly conserved and there is a small physicochemical difference between alanine and valine. This variant is not present in population databases (ExAC no frequency). This variant has not been reported in the literature in individuals with ELANE-related disease. Algorithms developed to predict the effect of missense changes on protein structure and function do not agree on the potential impact of this missense change (SIFT: "Deleterious"; PolyPhen-2: "Possibly Damaging"; Align-GVGD: "Class C0"). Algorithms developed to predict the effect of sequence changes on RNA splicing suggest that this variant may create or strengthen a splice site, but this prediction has not been confirmed by published transcriptional studies. In summary, the available evidence is currently insufficient to determine the role of this variant in disease. Therefore, it has been classified as a Variant of Uncertain Significance.

NM_001972.4(ELANE):c.119C>T (p.Ala40Val)

Gene: ELANE (elastase, neutrophil expressed; plus strand). Cytogenetic location: 19p13.3.
Variant type: single nucleotide variant.
Coding change: c.119C>T on transcript NM_001972.4 (MANE Select); coding-DNA position 119, C replaced by T.
Protein change: p.Ala40Val; replaces alanine 40 with valine.
Molecular consequence: missense variant.
Genome position (GRCh38, 1-based): chr19:852,927, C>T. VCF-style: chr19-852927-C-T. GRCh37 (hg19) VCF-style: chr19-852927-C-T.
Other names: c.119C>T (LRG_57t1); short protein forms A40V.
Identifiers: ClinVar variation 467828 (VCV000467828.14), dbSNP rs1555709342, ClinGen allele CA402914441.